The following is an entry in ClinVar:

ClinVar aggregate classification (germline): Likely benign (0 of 4 stars; one submission).

Conditions:
SLC29A1-related disorder. Also called: SLC29A1-related condition.

Allele frequency attached by ClinVar (database versions not stated): ExAC 0.00036; 1000 Genomes Project 30x 0.00062; TOPMed 0.00250; gnomAD 0.00266.
gnomAD v4.1: 5,000 of 1,202,240 alleles (0.42%); highest among the groups gnomAD compares: Non-Finnish European, 0.51%; 8 homozygotes.

Submission:

PreventionGenetics, part of Exact Sciences
Classification: Likely benign for SLC29A1-related condition. Last evaluated: 2023-05-30. Review status: no assertion criteria provided. Collection method: clinical testing. Allele origin: germline.
Comment: This variant is classified as likely benign based on ACMG/AMP sequence variant interpretation guidelines (Richards et al. 2015 PMID: 25741868, with internal and published modifications).

NM_001372327.1(SLC29A1):c.-52+8C>T

Gene: SLC29A1 (solute carrier family 29 member 1 (Augustine blood group); plus strand). Cytogenetic location: 6p21.1.
Variant type: single nucleotide variant.
Coding change: c.-52+8C>T on transcript NM_001372327.1 (MANE Select); 8 bases into the intron after 52 bases upstream of the start codon, C replaced by T.
Molecular consequence: intron variant. On other transcripts: 5 prime UTR variant (1).
Genome position (GRCh38, 1-based): chr6:44,223,649, C>T. VCF-style: chr6-44223649-C-T. GRCh37 (hg19) VCF-style: chr6-44191386-C-T.
Other names: NM_001304463.1:c.75+8C>T; c.-468C>T (NM_001078177.2); c.186+1964C>T (NM_001304462.2); c.25-3611C>T (NM_001304465.2); c.25-3614C>T (NM_001304466.2); c.-159+8C>T (NM_001078175.3).
Identifiers: ClinVar variation 3040920 (VCV003040920.2), dbSNP rs748411158, ClinGen allele CA3831384.
Genomic context (GRCh38, chr6:44,223,649, plus strand): 5'-AGCTGCAGCGAGAGCGCGCGGATCTCAGCGCGGGAGCAGTGCTTCTGCGGCAGGTGCTGC[C>T]CGGGGCCGGGGACTGGGGACTGGGGACTGCCGGGGCGGAAGACGCCGCTGCCCGCCTGCC-3'